The following is an entry in ClinVar:

NM_020117.11(LARS1):c.126-17A>G

Gene: LARS1 (leucyl-tRNA synthetase 1; minus strand). Cytogenetic location: 5q32.
Variant type: single nucleotide variant.
Coding change: c.126-17A>G on transcript NM_020117.11 (MANE Select); 17 bases into the intron before coding-DNA position 126, A replaced by G.
Molecular consequence: intron variant.
Genome position (GRCh38, 1-based): chr5:146,172,791, T>C on the plus strand (A>G on the coding strand, the complement: LARS1 is on the minus strand). VCF-style: chr5-146172791-T-C. GRCh37 (hg19) VCF-style: chr5-145552354-T-C.
Other names: c.-37-17A>G (NM_001317965.2); c.126-17A>G (NM_016460.4, NM_001317964.2).
Identifiers: ClinVar variation 392496 (VCV000392496.1), dbSNP rs748372946, ClinGen allele CA3490028.

ClinVar aggregate classification (germline): Likely benign (1 of 4 stars; one submission).

Allele frequency attached by ClinVar (database versions not stated): gnomAD exomes below 0.00001; TOPMed below 0.00001; ExAC 0.00001.
gnomAD v4.1: 1 of 1,425,926 alleles (0.00007%); highest among the groups gnomAD compares: Non-Finnish European, 0.000095%; no homozygotes.

Submission:

GeneDx
Classification: Likely benign. Last evaluated: 2017-01-12. Review status: criteria provided, single submitter. Criteria: GeneDx Variant Classification (06012015). Collection method: clinical testing. Allele origin: germline. Affected: yes.
Comment: This variant is considered likely benign or benign based on one or more of the following criteria: it is a conservative change, it occurs at a poorly conserved position in the protein, it is predicted to be benign by multiple in silico algorithms, and/or has population frequency not consistent with disease.